The following is an entry in ClinVar:

NM_000530.8(MPZ):c.388A>G (p.Lys130Glu)

Gene: MPZ (myelin protein zero; minus strand). Cytogenetic location: 1q23.3.
Variant type: single nucleotide variant.
Coding change: c.388A>G on transcript NM_000530.8 (MANE Select); coding-DNA position 388, A replaced by G.
Protein change: p.Lys130Glu; replaces lysine 130 with glutamic acid.
Molecular consequence: missense variant.
Genome position (GRCh38, 1-based): chr1:161,306,768, T>C on the plus strand (A>G on the coding strand, the complement: MPZ is on the minus strand). VCF-style: chr1-161306768-T-C. GRCh37 (hg19) VCF-style: chr1-161276558-T-C.
Other names: c.388A>G, p.Lys130Glu (NM_001315491.2); short protein forms K130E.
Identifiers: ClinVar variation 1807432 (VCV001807432.14), dbSNP rs2526238022, ClinGen allele CA343348808.

ClinVar aggregate classification (germline): Conflicting classifications of pathogenicity. Review status: criteria provided, conflicting classifications (1 of 4 stars). 2 submissions from 2 submitters: Likely pathogenic (1); Uncertain significance (1). Last evaluated 2024-12-01.

Allele frequency attached by ClinVar (database versions not stated): gnomAD exomes below 0.00001.
gnomAD v4.1: 3 of 1,614,134 alleles (0.00019%); highest among the groups gnomAD compares: Non-Finnish European, 0.00017%; no homozygotes.

Submissions (2):

CeGaT Center for Human Genetics Tuebingen
Classification: Likely pathogenic. Last evaluated: 2024-12-01. Review status: criteria provided, single submitter. Criteria: CeGaT Center For Human Genetics Tuebingen Variant Classification Criteria Version 2. Collection method: clinical testing. Allele origin: germline. Affected: yes. Observed: 1 variant allele.
Comment: MPZ: PM2, PM5, PP2, PP3

Athena Diagnostics
Classification: Uncertain significance. Last evaluated: 2022-05-18. Review status: criteria provided, single submitter. Criteria: Athena Diagnostics Criteria. Collection method: clinical testing. Allele origin: unknown.